The following is an entry in ClinVar:

NM_001367868.2(PLIN4):c.4036C>T (p.Gln1346Ter)

Gene: PLIN4 (perilipin 4; minus strand). Cytogenetic location: 19p13.3.
Variant type: single nucleotide variant.
Coding change: c.4036C>T on transcript NM_001367868.2 (MANE Select); coding-DNA position 4036, C replaced by T.
Protein change: p.Gln1346Ter; replaces glutamine 1346 with a stop codon.
Molecular consequence: nonsense.
Genome position (GRCh38, 1-based): chr19:4,504,539, G>A on the plus strand (C>T on the coding strand, the complement: PLIN4 is on the minus strand). VCF-style: chr19-4504539-G-A. GRCh37 (hg19) VCF-style: chr19-4504551-G-A.
Other names: c.4039C>T, p.Gln1347Ter (NM_001393888.1, NM_001393889.1); c.4036C>T, p.Gln1346Ter (NM_001393890.1, NM_001393891.1); short protein forms Q1346*, Q1347*.
Identifiers: ClinVar variation 4084343 (VCV004084343.8).

ClinVar aggregate classification (germline): Benign (1 of 4 stars; one submission).

gnomAD v4.1: 229 of 1,606,520 alleles (0.014%); highest among the groups gnomAD compares: Admixed American, 0.19%; no homozygotes.

Submission:

CeGaT Center for Human Genetics Tuebingen
Classification: Benign. Last evaluated: 2025-07-01. Review status: criteria provided, single submitter. Criteria: CeGaT Center For Human Genetics Tuebingen Variant Classification Criteria Version 2. Collection method: clinical testing. Allele origin: germline. Affected: yes. Observed: 1 variant allele.
Comment: PLIN4: BS1, BS2